The following is an entry in ClinVar:

ClinVar aggregate classification (germline): Pathogenic (1 of 4 stars; one submission).

Conditions:
Fanconi anemia complementation group O. Also called: RAD51C-Related Fanconi Anemia. Identifiers: Orphanet 84, MedGen C3150653, MONDO:0013248, OMIM 613390.

Submission:

Labcorp Genetics (formerly Invitae), Labcorp
Classification: Pathogenic for Fanconi anemia complementation group O. Last evaluated: 2021-01-27. Review status: criteria provided, single submitter. Criteria: Invitae Variant Classification Sherloc (09022015). Collection method: clinical testing. Allele origin: germline.
Comment: For these reasons, this variant has been classified as Pathogenic. This variant has not been reported in the literature in individuals with RAD51C-related conditions. This variant is not present in population databases (ExAC no frequency). This sequence change creates a premature translational stop signal (p.Val166Leufs*5) in the RAD51C gene. It is expected to result in an absent or disrupted protein product. Loss-of-function variants in RAD51C are known to be pathogenic (PMID: 20400964, 21990120, 24800917).

Literature cited by the submitters: PubMed 20400964; PubMed 21990120; PubMed 24800917.

NM_058216.3(RAD51C):c.496del (p.Val166fs)

Gene: RAD51C (RAD51 paralog C; plus strand). Cytogenetic location: 17q22.
Variant type: Deletion.
Coding change: c.496del on transcript NM_058216.3 (MANE Select); coding-DNA position 496, one base deleted (G; older notation c.496delG).
Protein change: p.Val166fs; shifts the reading frame from valine 166.
Molecular consequence: frameshift variant.
Genome position (GRCh38, 1-based): chr17:58,696,784, G deleted; the last of 2 consecutive G bases (chr17:58,696,783-58,696,784); deleting either gives the same sequence. VCF-style (leftmost placement, unchanged base first): chr17-58696782-TG-T. GRCh37 (hg19) VCF-style: chr17-56774143-TG-T.
Other names: short protein forms V166fs.
Identifiers: ClinVar variation 1365075 (VCV001365075.6), dbSNP rs2143747219, ClinGen allele CA2573154419.